The following is an entry in ClinVar:

ClinVar aggregate classification (germline): Uncertain significance. Review status: criteria provided, multiple submitters, no conflicts (2 of 4 stars). 2 submissions from 2 submitters: Uncertain significance (2). Last evaluated 2025-08-14.

Conditions:
Inborn genetic diseases. Identifiers: MedGen C0950123, MeSH D030342.
Mucopolysaccharidosis type 7 (MPS7). Also called: MPS VII; SLY SYNDROME; BETA-GLUCURONIDASE DEFICIENCY; GUSB DEFICIENCY. Identifiers: Orphanet 584, MedGen C0085132, MONDO:0009662, OMIM 253220.

Allele frequency attached by ClinVar (database versions not stated): gnomAD exomes below 0.00001 and 0.00002; ExAC 0.00002; gnomAD 0.00004 and 0.00005; TOPMed 0.00004; ESP Exome Variant Server 0.00008.
gnomAD v4.1: 12 of 1,613,966 alleles (0.00074%); highest among the groups gnomAD compares: African/African-American, 0.011%; no homozygotes.

Submissions (2):

Ambry Genetics
Classification: Uncertain significance for Inborn genetic diseases. Last evaluated: 2025-08-14. Review status: criteria provided, single submitter. Criteria: Ambry Variant Classification Scheme 2023. Collection method: clinical testing. Allele origin: germline.

Labcorp Genetics (formerly Invitae), Labcorp
Classification: Uncertain significance for Mucopolysaccharidosis type 7. Last evaluated: 2021-08-20. Review status: criteria provided, single submitter. Criteria: Invitae Variant Classification Sherloc (09022015). Collection method: clinical testing. Allele origin: germline.
Comment: This sequence change replaces alanine with threonine at codon 380 of the GUSB protein (p.Ala380Thr). The alanine residue is moderately conserved and there is a small physicochemical difference between alanine and threonine. This variant is present in population databases (rs377615121, ExAC 0.01%). This variant has not been reported in the literature in individuals affected with GUSB-related conditions. Algorithms developed to predict the effect of missense changes on protein structure and function (SIFT, PolyPhen-2, Align-GVGD) all suggest that this variant is likely to be tolerated. In summary, the available evidence is currently insufficient to determine the role of this variant in disease. Therefore, it has been classified as a Variant of Uncertain Significance.

NM_000181.4(GUSB):c.1138G>A (p.Ala380Thr)

Gene: GUSB (glucuronidase beta; minus strand). Cytogenetic location: 7q11.21.
Variant type: single nucleotide variant.
Coding change: c.1138G>A on transcript NM_000181.4 (MANE Select); coding-DNA position 1138, G replaced by A.
Protein change: p.Ala380Thr; replaces alanine 380 with threonine.
Molecular consequence: missense variant. On other transcripts: non-coding transcript variant (1).
Genome position (GRCh38, 1-based): chr7:65,974,632, C>T on the plus strand (G>A on the coding strand, the complement: GUSB is on the minus strand). VCF-style: chr7-65974632-C-T. GRCh37 (hg19) VCF-style: chr7-65439619-C-T.
Other names: c.700G>A, p.Ala234Thr (NM_001284290.2); c.568G>A, p.Ala190Thr (NM_001293104.2); c.481G>A, p.Ala161Thr (NM_001293105.2); c.1138G>A (NM_000181.3); short protein forms A161T, A190T, A234T, A380T.
Identifiers: ClinVar variation 1061978 (VCV001061978.7), dbSNP rs377615121, ClinGen allele CA4276370.